The following is an entry in ClinVar:

NM_017947.4(MOCOS):c.980C>T (p.Ala327Val)

Gene: MOCOS (molybdenum cofactor sulfurase; plus strand). Cytogenetic location: 18q12.2.
Variant type: single nucleotide variant.
Coding change: c.980C>T on transcript NM_017947.4 (MANE Select); coding-DNA position 980, C replaced by T.
Protein change: p.Ala327Val; replaces alanine 327 with valine.
Molecular consequence: missense variant.
Genome position (GRCh38, 1-based): chr18:36,203,151, C>T. VCF-style: chr18-36203151-C-T. GRCh37 (hg19) VCF-style: chr18-33783114-C-T.
Other names: short protein forms A327V.
Identifiers: ClinVar variation 2052132 (VCV002052132.6), dbSNP rs141550556, ClinGen allele CA8940577.

ClinVar aggregate classification (germline): Uncertain significance. Review status: criteria provided, multiple submitters, no conflicts (2 of 4 stars). 2 submissions from 2 submitters: Uncertain significance (2). Last evaluated 2025-08-22.

Conditions:
Xanthinuria type II. Also called: Xanthine dehydrogenase and aldehyde oxidase combined deficiency of; XDH and AOX dual deficiency. Identifiers: Orphanet 3467, Orphanet 93602, MedGen C1863688, MONDO:0011346, OMIM 603592.

Allele frequency attached by ClinVar (database versions not stated): 1000 Genomes Project 30x 0.00016; gnomAD exomes 0.00005; gnomAD 0.00007; ESP Exome Variant Server 0.00008; ExAC 0.00011; 1000 Genomes Project 0.00020; TOPMed 0.00004.
gnomAD v4.1: 81 of 1,614,140 alleles (0.005%); highest among the groups gnomAD compares: East Asian, 0.0089%; no homozygotes.

Submissions (2):

Ambry Genetics
Classification: Uncertain significance. Last evaluated: 2025-08-22. Review status: criteria provided, single submitter. Criteria: Ambry Variant Classification Scheme 2023. Collection method: clinical testing. Allele origin: germline.

Labcorp Genetics (formerly Invitae), Labcorp
Classification: Uncertain significance for Xanthinuria type II. Last evaluated: 2024-12-09. Review status: criteria provided, single submitter. Criteria: Invitae Variant Classification Sherloc (09022015). Collection method: clinical testing. Allele origin: germline.
Comment: This sequence change replaces alanine, which is neutral and non-polar, with valine, which is neutral and non-polar, at codon 327 of the MOCOS protein (p.Ala327Val). This variant is present in population databases (rs141550556, gnomAD 0.01%). This variant has not been reported in the literature in individuals affected with MOCOS-related conditions. ClinVar contains an entry for this variant (Variation ID: 2052132). Invitae Evidence Modeling of protein sequence and biophysical properties (such as structural, functional, and spatial information, amino acid conservation, physicochemical variation, residue mobility, and thermodynamic stability) indicates that this missense variant is expected to disrupt MOCOS protein function with a positive predictive value of 80%. In summary, the available evidence is currently insufficient to determine the role of this variant in disease. Therefore, it has been classified as a Variant of Uncertain Significance.